The following is an entry in ClinVar:

NM_004995.4(MMP14):c.1050G>A (p.Met350Ile)

Gene: MMP14 (matrix metallopeptidase 14; plus strand). Cytogenetic location: 14q11.2.
Variant type: single nucleotide variant.
Coding change: c.1050G>A on transcript NM_004995.4 (MANE Select); coding-DNA position 1050, G replaced by A.
Protein change: p.Met350Ile; replaces methionine 350 with isoleucine.
Molecular consequence: missense variant.
Genome position (GRCh38, 1-based): chr14:22,844,409, G>A. VCF-style: chr14-22844409-G-A. GRCh37 (hg19) VCF-style: chr14-23313618-G-A.
Other names: short protein forms M350I.
Identifiers: ClinVar variation 2168481 (VCV002168481.4), dbSNP rs371549086, ClinGen allele CA7105351.

ClinVar aggregate classification (germline): Uncertain significance (1 of 4 stars; one submission).

Allele frequency attached by ClinVar (database versions not stated): gnomAD exomes 0.00002; ExAC 0.00008; TOPMed 0.00012; ESP Exome Variant Server 0.00015; gnomAD 0.00019; 1000 Genomes Project 30x 0.00047; 1000 Genomes Project 0.00060.

Submission:

Labcorp Genetics (formerly Invitae), Labcorp
Classification: Uncertain significance. Last evaluated: 2024-12-15. Review status: criteria provided, single submitter. Criteria: Invitae Variant Classification Sherloc (09022015). Collection method: clinical testing. Allele origin: germline.
Comment: This sequence change replaces methionine, which is neutral and non-polar, with isoleucine, which is neutral and non-polar, at codon 350 of the MMP14 protein (p.Met350Ile). This variant is present in population databases (rs371549086, gnomAD 0.07%), and has an allele count higher than expected for a pathogenic variant. This variant has not been reported in the literature in individuals affected with MMP14-related conditions. ClinVar contains an entry for this variant (Variation ID: 2168481). An algorithm developed to predict the effect of missense changes on protein structure and function (PolyPhen-2) suggests that this variant is likely to be tolerated. In summary, the available evidence is currently insufficient to determine the role of this variant in disease. Therefore, it has been classified as a Variant of Uncertain Significance.